The following is an entry in ClinVar:

NM_006767.4(LZTR1):c.2219+29G>T

Gene: LZTR1 (leucine zipper like post translational regulator 1; plus strand). Cytogenetic location: 22q11.21.
Variant type: single nucleotide variant.
Coding change: c.2219+29G>T on transcript NM_006767.4 (MANE Select); 29 bases into the intron after coding-DNA position 2219, G replaced by T.
Molecular consequence: intron variant.
Genome position (GRCh38, 1-based): chr22:20,996,141, G>T. VCF-style: chr22-20996141-G-T. GRCh37 (hg19) VCF-style: chr22-21350430-G-T.
Identifiers: ClinVar variation 4997677 (VCV004997677.1).
Genomic context (GRCh38, chr22:20,996,141, plus strand): 5'-GGCGAGGTCAACATGCCGCCCGAGGACTCGCTGCATCCTCACTCCCCAGTGAACTCCCAG[G>T]TCCCCACCAAGGGGTCCTGGCACCCACCTCAGGTGGCTTTGAGGCCCGCTCTCCTGCCCC-3'

ClinVar aggregate classification (germline): Uncertain significance (1 of 4 stars; one submission).

Conditions:
LZTR1-related disorder. Also called: LZTR1-related disorders; LZTR1-related condition.

gnomAD v4.1: 274 of 1,606,070 alleles (0.017%); highest among the groups gnomAD compares: African/African-American, 0.29%; no homozygotes.

Submission:

PreventionGenetics, part of Exact Sciences
Classification: Uncertain significance for LZTR1-related condition. Last evaluated: 2026-07-09. Review status: criteria provided, single submitter. Criteria: ACMG Guidelines, 2015. Collection method: clinical testing. Allele origin: germline.
Comment: The LZTR1 c.2219+29G>T variant is predicted to interfere with splicing. However, the use of computer prediction programs is not equivalent to functional evidence. To our knowledge, this variant has not been reported in the literature. This variant is reported in 0.27% of alleles in individuals of African descent in gnomAD, which may be too frequent to be a primary cause of disease. Although we suspect that this variant may be benign, at this time, the clinical significance of this variant is uncertain due to the absence of conclusive functional and genetic evidence.